The following is an entry in ClinVar:

ClinVar aggregate classification (germline): Pathogenic/Likely pathogenic. Review status: criteria provided, multiple submitters, no conflicts (2 of 4 stars). 3 submissions from 3 submitters: Pathogenic (1); Likely pathogenic (2). Last evaluated 2025-09-30.

Conditions:
Congenital hyperammonemia, type I. Also called: CPS I DEFICIENCY; Carbamoyl-phosphate synthase I deficiency; Carbamoyl phosphate synthetase 1 deficiency; Hyperammonemia due to carbamoyl phosphate synthetase 1 deficiency; CPS 1 deficiency; Carbamyl phosphate synthetase (CPS) deficiency. Identifiers: Orphanet 147, MedGen C4082171, MONDO:0009376, OMIM 237300.

gnomAD v4.1: 3 of 1,612,064 alleles (0.00019%); highest among the groups gnomAD compares: East Asian, 0.0022%; no homozygotes.

Submissions (3):

Natera, Inc.
Classification: Pathogenic for Carbamoyl-phosphate synthase I deficiency. Last evaluated: 2025-09-30. Review status: criteria provided, single submitter. Criteria: Natera Variant Classification Schema (03/2026). Collection method: clinical testing. Allele origin: germline.
Comment: The c.1549+1G>A variant in CPS1 is a canonical splice donor site variant predicted to affect pre-mRNA splicing, which may result in an abnormal transcript and altered protein product. This variant is expected to result in nonsense mediated decay, truncation, or a dysfunctional protein product. This variant is rare in the general population with a frequency below the threshold expected for the associated phenotype(s). Another variant at this same site results in an alteration predicted to cause a similar molecular effect has been observed in individual(s) with the associated phenotype. Given the available evidence, this variant is classified as Pathogenic.

Labcorp Genetics (formerly Invitae), Labcorp
Classification: Likely pathogenic for Congenital hyperammonemia, type I. Last evaluated: 2023-10-22. Review status: criteria provided, single submitter. Criteria: Invitae Variant Classification Sherloc (09022015). Collection method: clinical testing. Allele origin: germline.
Comment: This sequence change affects a donor splice site in intron 14 of the CPS1 gene. It is expected to disrupt RNA splicing. Variants that disrupt the donor or acceptor splice site typically lead to a loss of protein function (PMID: 16199547), and loss-of-function variants in CPS1 are known to be pathogenic (PMID: 21120950). This variant is not present in population databases (gnomAD no frequency). This variant has not been reported in the literature in individuals affected with CPS1-related conditions. ClinVar contains an entry for this variant (Variation ID: 2014984). Algorithms developed to predict the effect of sequence changes on RNA splicing suggest that this variant may disrupt the consensus splice site. In summary, the currently available evidence indicates that the variant is pathogenic, but additional data are needed to prove that conclusively. Therefore, this variant has been classified as Likely Pathogenic.

Women's Health and Genetics/Laboratory Corporation of America, LabCorp
Classification: Likely pathogenic for Congenital hyperammonemia, type I. Last evaluated: 2023-04-12. Review status: criteria provided, single submitter. Criteria: LabCorp Variant Classification Summary - May 2015. Collection method: clinical testing. Allele origin: germline.
Comment: Variant summary: CPS1 c.1549+1G>A is located in a canonical splice-site and is predicted to affect mRNA splicing resulting in a significantly altered protein due to either exon skipping, shortening, or inclusion of intronic material. Several computational tools predict a significant impact on normal splicing: Three predict the variant abolishes a 5' splicing donor site. However, these predictions have yet to be confirmed by functional studies. The variant was absent in 250358 control chromosomes. To our knowledge, no occurrence of c.1549+1G>A in individuals affected with Carbamoylphosphate Synthetase I Deficiency and no experimental evidence demonstrating its impact on protein function have been reported. One clinical diagnostic laboratory has submitted clinical-significance assessments for this variant to ClinVar after 2014 and classified the variant as likely pathogenic. Additionally, another variant at the same nucleotide, c.1549+1G>T, has been classified as pathogenic in ClinVar reported in association with Carbamoyl phosphate synthetase I deficiency (HGMD). Based on the evidence outlined above, the variant was classified as likely pathogenic.

Literature cited by the submitters: PubMed 16199547 (cited by Labcorp Genetics (formerly Invitae), Labcorp); PubMed 21120950 (cited by Labcorp Genetics (formerly Invitae), Labcorp).

NM_001875.5(CPS1):c.1549+1G>A

Gene: CPS1 (carbamoyl-phosphate synthase 1; plus strand). Cytogenetic location: 2q34.
Variant type: single nucleotide variant.
Coding change: c.1549+1G>A on transcript NM_001875.5 (MANE Select); the canonical splice donor site of the intron after coding-DNA position 1549, G replaced by A.
Molecular consequence: splice donor variant.
Genome position (GRCh38, 1-based): chr2:210,599,562, G>A. VCF-style: chr2-210599562-G-A. GRCh37 (hg19) VCF-style: chr2-211464286-G-A.
Other names: c.1549+1G>A (NM_001369257.1, NM_001122633.3); c.1582+1G>A (NM_001369256.1).
Identifiers: ClinVar variation 2014984 (VCV002014984.6), dbSNP rs774484322, ClinGen allele CA350436360.